The following is an entry in ClinVar:

ClinVar aggregate classification (germline): Likely benign (1 of 4 stars; one submission).

Conditions:
LRRC45-related disorder. Also called: LRRC45-related condition.

gnomAD v4.1: 43 of 1,574,698 alleles (0.0027%); highest among the groups gnomAD compares: Middle Eastern, 0.017%; no homozygotes.

Submission:

PreventionGenetics, part of Exact Sciences
Classification: Likely benign for LRRC45-related condition. Last evaluated: 2025-07-06. Review status: criteria provided, single submitter. Criteria: ACMG Guidelines, 2015. Collection method: clinical testing. Allele origin: germline.
Comment: This variant is classified as likely benign based on ACMG/AMP sequence variant interpretation guidelines (Richards et al. 2015 PMID: 25741868, with internal and published modifications).

NM_144999.4(LRRC45):c.661+4C>T

Gene: LRRC45 (leucine rich repeat containing 45; plus strand). Cytogenetic location: 17q25.3.
Variant type: single nucleotide variant.
Coding change: c.661+4C>T on transcript NM_144999.4 (MANE Select); 4 bases into the intron after coding-DNA position 661, C replaced by T.
Molecular consequence: intron variant.
Genome position (GRCh38, 1-based): chr17:82,025,511, C>T. VCF-style: chr17-82025511-C-T. GRCh37 (hg19) VCF-style: chr17-79983387-C-T.
Identifiers: ClinVar variation 4977877 (VCV004977877.1).